The following is an entry in ClinVar:

ClinVar aggregate classification (germline): Uncertain significance (1 of 4 stars; one submission).

Submission:

Labcorp Genetics (formerly Invitae), Labcorp
Classification: Uncertain significance. Last evaluated: 2023-01-26. Review status: criteria provided, single submitter. Criteria: Invitae Variant Classification Sherloc (09022015). Collection method: clinical testing. Allele origin: germline.
Comment: This missense change has been observed in individual(s) with clinical features of congenital stationary night blindness (PMID: 30825406). This variant is not present in population databases (gnomAD no frequency). This sequence change replaces asparagine, which is neutral and polar, with threonine, which is neutral and polar, at codon 941 of the CACNA1F protein (p.Asn941Thr). This variant is also known as p.Asn930Thr. Advanced modeling of protein sequence and biophysical properties (such as structural, functional, and spatial information, amino acid conservation, physicochemical variation, residue mobility, and thermodynamic stability) performed at Invitae indicates that this missense variant is expected to disrupt CACNA1F protein function. In summary, the available evidence is currently insufficient to determine the role of this variant in disease. Therefore, it has been classified as a Variant of Uncertain Significance.

Literature cited by the submitters: PubMed 30825406.

NM_001256789.3(CACNA1F):c.2789A>C (p.Asn930Thr)

Gene: CACNA1F (calcium voltage-gated channel subunit alpha1 F; minus strand). Cytogenetic location: Xp11.23.
Variant type: single nucleotide variant.
Coding change: c.2789A>C on transcript NM_001256789.3 (MANE Select); coding-DNA position 2789, A replaced by C.
Protein change: p.Asn930Thr; replaces asparagine 930 with threonine.
Molecular consequence: missense variant.
Genome position (GRCh38, 1-based): chrX:49,218,680, T>G on the plus strand (A>C on the coding strand, the complement: CACNA1F is on the minus strand). VCF-style: chrX-49218680-T-G. GRCh37 (hg19) VCF-style: chrX-49075139-T-G.
Other names: c.2627A>C, p.Asn876Thr (NM_001256790.3); c.2822A>C, p.Asn941Thr (NM_005183.4); short protein forms N930T, N941T, N876T.
Identifiers: ClinVar variation 2138576 (VCV002138576.4), dbSNP rs2520915159, ClinGen allele CA412964873.
Genomic context (GRCh38, chrX:49,218,680, plus strand): 5'-GTCACTTACTGGATGCCAAAGGAGATGAGGGACACACTGACCACCAGCAGATCCAACATA[T>G]TAAACCAGCTACGGCAGAAGGAGCCGCGGTGCAGGAAGGCCCCAAACACTGTCATCTGGG-3'
Protein context (NP_001243718.1, residues 920-940): HRGSFCRSWF[Asn930Thr]MLDLLVVSVS